The following is an entry in ClinVar:

ClinVar aggregate classification (germline): Uncertain significance (1 of 4 stars; one submission).

Submission:

Labcorp Genetics (formerly Invitae), Labcorp
Classification: Uncertain significance. Last evaluated: 2022-08-09. Review status: criteria provided, single submitter. Criteria: Invitae Variant Classification Sherloc (09022015). Collection method: clinical testing. Allele origin: germline.
Comment: This sequence change replaces isoleucine, which is neutral and non-polar, with threonine, which is neutral and polar, at codon 184 of the HPS1 protein (p.Ile184Thr). This variant is not present in population databases (gnomAD no frequency). This variant has not been reported in the literature in individuals affected with HPS1-related conditions. ClinVar contains an entry for this variant (Variation ID: 1500124). Algorithms developed to predict the effect of missense changes on protein structure and function are either unavailable or do not agree on the potential impact of this missense change (SIFT: "Deleterious"; PolyPhen-2: "Possibly Damaging"; Align-GVGD: "Class C0"). In summary, the available evidence is currently insufficient to determine the role of this variant in disease. Therefore, it has been classified as a Variant of Uncertain Significance.

NM_000195.5(HPS1):c.551T>C (p.Ile184Thr)

Gene: HPS1 (HPS1 biogenesis of lysosomal organelles complex 3 subunit 1; minus strand). Cytogenetic location: 10q24.2.
Variant type: single nucleotide variant.
Coding change: c.551T>C on transcript NM_000195.5 (MANE Select); coding-DNA position 551, T replaced by C.
Protein change: p.Ile184Thr; replaces isoleucine 184 with threonine.
Molecular consequence: missense variant. On other transcripts: intron variant (5), 5 prime UTR variant (3).
Genome position (GRCh38, 1-based): chr10:98,431,248, A>G on the plus strand (T>C on the coding strand, the complement: HPS1 is on the minus strand). VCF-style: chr10-98431248-A-G. GRCh37 (hg19) VCF-style: chr10-100191005-A-G.
Other names: c.551T>C, p.Ile184Thr (NM_001322491.2, NM_182639.4, NM_001322476.2 and 3 more transcripts); c.408-578T>C (NM_001322480.2, NM_001322482.2, NM_001322481.2); c.551-578T>C (NM_001322492.2, NM_001322490.2); c.-323T>C (NM_001311345.2, NM_001322489.2); c.182T>C, p.Ile61Thr (NM_001322483.2, NM_001322484.2, NM_001322485.2); c.-422T>C (NM_001322487.2); short protein forms I61T, I184T.
Identifiers: ClinVar variation 1500124 (VCV001500124.8), dbSNP rs2136213807, ClinGen allele CA378052813.